The following is an entry in ClinVar:

NM_001079866.2(BCS1L):c.-50+388C>G

Gene: BCS1L (BCS1 ubiquinol-cytochrome c reductase complex chaperone; plus strand). Cytogenetic location: 2q35.
Variant type: single nucleotide variant.
Coding change: c.-50+388C>G on transcript NM_001079866.2 (MANE Select); 388 bases into the intron after 50 bases upstream of the start codon, C replaced by G.
Molecular consequence: intron variant. On other transcripts: 5 prime UTR variant (13), non-coding transcript variant (1).
Genome position (GRCh38, 1-based): chr2:218,660,131, C>G. VCF-style: chr2-218660131-C-G. GRCh37 (hg19) VCF-style: chr2-219524854-C-G.
Other names: c.-85C>G (NM_001257342.2); c.-137C>G (NM_001257343.2); c.-340C>G (NM_001371444.1, NM_001371450.1); c.-667C>G (NM_001371446.1); c.-252C>G (NM_001371449.1); c.-658C>G (NM_001371451.1); c.-1333C>G (NM_001371453.1, NM_001374086.1); c.-816C>G (NM_001371454.1); and 9 more.
Identifiers: ClinVar variation 801896 (VCV000801896.2), dbSNP rs1006907254, ClinGen allele CA65807772.
Genomic context (GRCh38, chr2:218,660,131, plus strand): 5'-AAAGTAGCAGATGGGCAGATTTTCATTTGGGGAGAATGAGGGAGAAAAGAACGGGCATTC[C>G]GAGCCAAGAGCACTGCATGAGCAAGGAGTTGGGAGGTTGCTTACTTGTTGAACATATTTG-3'

ClinVar aggregate classification (germline): Likely pathogenic. Review status: criteria provided, multiple submitters, no conflicts (2 of 4 stars). 2 submissions from 2 submitters: Likely pathogenic (2). Last evaluated 2026-01-30.

Conditions:
GRACILE syndrome (FLNMS). Also called: FELLMAN SYNDROME; FINNISH LETHAL NEONATAL METABOLIC SYNDROME. Identifiers: Orphanet 53693, MedGen C1864002, MONDO:0011308, OMIM 603358.

Allele frequency attached by ClinVar (database versions not stated): gnomAD 0.00002; TOPMed 0.00003.

Submissions (2):

Dasa
Classification: Likely pathogenic. Last evaluated: 2026-01-30. Review status: criteria provided, single submitter. Criteria: DASA Assertion Criteria. Collection method: clinical testing. Allele origin: germline.
Comment: NM_001257342.2(BCS1L):c.-85C>G is a splice-region variant predicted to affect normal RNA splicing. This variant has been reported in individuals with related phenotype (PMID: 19389488). The variant is present at low frequency in population datasets. Based on the available data, this variant is classified as likely pathogenic.

Mendelics
Classification: Likely pathogenic for GRACILE syndrome. Last evaluated: 2019-05-28. Review status: criteria provided, single submitter. Criteria: Mendelics Assertion Criteria 2017. Collection method: clinical testing. Allele origin: unknown.

Literature cited by the submitters: PubMed 19389488 (cited by Dasa).